The following is an entry in ClinVar:

ClinVar aggregate classification (germline): Uncertain significance. Review status: criteria provided, multiple submitters, no conflicts (2 of 4 stars). 2 submissions from 2 submitters: Uncertain significance (2). Last evaluated 2026-07-24.

Conditions:
Obesity due to SIM1 deficiency. Identifiers: Orphanet 369873, MedGen C5191050, MONDO:0018244.
SIM1-related disorder. Also called: SIM1-related condition; SIM1-related disorders.

Allele frequency attached by ClinVar (database versions not stated): gnomAD exomes below 0.00001; gnomAD 0.00003; TOPMed 0.00004.
gnomAD v4.1: 71 of 1,570,574 alleles (0.0045%); highest among the groups gnomAD compares: Non-Finnish European, 0.0059%; no homozygotes.

Submissions (2):

PreventionGenetics, part of Exact Sciences
Classification: Uncertain significance for SIM1-related condition. Last evaluated: 2026-07-24. Review status: criteria provided, single submitter. Criteria: ACMG Guidelines, 2015. Collection method: clinical testing. Allele origin: germline.
Comment: The SIM1 c.1193C>T variant is predicted to result in the amino acid substitution p.Ser398Leu. To our knowledge, this variant has not been reported in the literature. This variant is reported in 0.00098% of alleles in individuals of European (Non-Finnish) descent in gnomAD. At this time, the clinical significance of this variant is uncertain due to the absence of conclusive functional and genetic evidence.

Illumina Laboratory Services, Illumina
Classification: Uncertain significance for Obesity due to SIM1 deficiency. Last evaluated: 2018-01-12. Review status: criteria provided, single submitter. Criteria: ICSL Variant Classification Criteria 13 December 2019. Collection method: clinical testing. Allele origin: germline.

NM_005068.3(SIM1):c.1193C>T (p.Ser398Leu)

Genes: SIM1 (SIM bHLH transcription factor 1; minus strand), SIM1-AS1 (SIM1 antisense RNA 1; plus strand). Cytogenetic location: 6q16.3.
Variant type: single nucleotide variant.
Coding change: c.1193C>T on transcript NM_005068.3 (MANE Select); coding-DNA position 1193, C replaced by T.
Protein change: p.Ser398Leu; replaces serine 398 with leucine.
Molecular consequence: missense variant.
Genome position (GRCh38, 1-based): chr6:100,393,864, G>A on the plus strand (C>T on the coding strand, the complement: SIM1 is on the minus strand). VCF-style: chr6-100393864-G-A. GRCh37 (hg19) VCF-style: chr6-100841740-G-A.
Other names: c.1193C>T, p.Ser398Leu (NM_001374769.1); short protein forms S398L.
Identifiers: ClinVar variation 905508 (VCV000905508.5), dbSNP rs1344055699, ClinGen allele CA365299605.